The following is an entry in ClinVar:

ClinVar aggregate classification (germline): Likely benign (1 of 4 stars; one submission).

Submission:

CeGaT Center for Human Genetics Tuebingen
Classification: Likely benign. Last evaluated: 2025-07-01. Review status: criteria provided, single submitter. Criteria: CeGaT Center For Human Genetics Tuebingen Variant Classification Criteria Version 2. Collection method: clinical testing. Allele origin: germline. Affected: yes. Observed: 3 variant alleles.
Comment: NOTCH4: BS2

NM_004557.4(NOTCH4):c.18GCT[5] (p.Leu12_Leu16del)

Gene: NOTCH4 (notch receptor 4; minus strand). Cytogenetic location: 6p21.32.
Variant type: Microsatellite.
Coding change: c.18GCT[5] on transcript NM_004557.4 (MANE Select); five copies in a row of the 3-base unit GCT starting at c.18; the reference has ten copies in a row; five copies, 15 bases deleted.
Protein change: p.Leu12_Leu16del.
Molecular consequence: inframe deletion. On other transcripts: non-coding transcript variant (2).
Genome position (GRCh38, 1-based): chr6:32,223,882-32,223,896, AGCAGCAGCAGCAGC deleted on the plus strand (GCTGCTGCTGCTGCT on the coding strand, the reverse complement: NOTCH4 is on the minus strand); deleting any 15 consecutive bases within chr6:32,223,882-32,223,913 gives the same sequence; the position shown is the placement nearest the transcript's 3' end. VCF-style (leftmost placement, unchanged base first): chr6-32223881-TAGCAGCAGCAGCAGC-T. GRCh37 (hg19) VCF-style: chr6-32191658-TAGCAGCAGCAGCAGC-T.
Identifiers: ClinVar variation 2656451 (VCV002656451.24), dbSNP rs35795312, ClinGen allele CA3740372.